The following is an entry in ClinVar:

ClinVar aggregate classification (germline): Benign. Review status: criteria provided, single submitter (1 of 4 stars). 2 submissions from 2 submitters: Benign (1). 1 of the submissions does not count toward it. Last evaluated 2024-03-08.

Conditions:
ANXA11-related disorder. Also called: ANXA11-related condition.

Allele frequency attached by ClinVar (database versions not stated): ESP Exome Variant Server 0.00008; gnomAD 0.00011 and 0.00016; gnomAD exomes 0.00011; TOPMed 0.00014; 1000 Genomes Project 0.00140; 1000 Genomes Project 30x 0.00141.
gnomAD v4.1: 180 of 1,614,124 alleles (0.011%); highest among the groups gnomAD compares: South Asian, 0.15%; 1 homozygote.

Submissions (2):

Labcorp Genetics (formerly Invitae), Labcorp
Classification: Benign. Last evaluated: 2024-03-08. Review status: criteria provided, single submitter. Criteria: Invitae Variant Classification Sherloc (09022015). Collection method: clinical testing. Allele origin: germline.

PreventionGenetics, part of Exact Sciences
Classification: Likely benign for ANXA11-related condition. Last evaluated: 2022-11-30. Review status: no assertion criteria provided. Collection method: clinical testing. Allele origin: germline. Not counted in ClinVar's aggregate classification.
Comment: This variant is classified as likely benign based on ACMG/AMP sequence variant interpretation guidelines (Richards et al. 2015 PMID: 25741868, with internal and published modifications).

NM_145868.2(ANXA11):c.1311G>A (p.Ala437=)

Gene: ANXA11 (annexin A11; minus strand). Cytogenetic location: 10q22.3.
Variant type: single nucleotide variant.
Coding change: c.1311G>A on transcript NM_145868.2 (MANE Select); coding-DNA position 1311, G replaced by A.
Protein change: p.Ala437=; no amino-acid change (alanine 437 retained).
Molecular consequence: synonymous variant.
Genome position (GRCh38, 1-based): chr10:80,157,991, C>T on the plus strand (G>A on the coding strand, the complement: ANXA11 is on the minus strand). VCF-style: chr10-80157991-C-T. GRCh37 (hg19) VCF-style: chr10-81917747-C-T.
Other names: c.1311G>A, p.Ala437= (NM_001157.3, NM_001278407.2, NM_001278408.2 and 1 more transcripts); c.1212G>A, p.Ala404= (NM_001278409.2); c.1311G>A (NM_145869.1).
Identifiers: ClinVar variation 1577602 (VCV001577602.10), dbSNP rs140115990, ClinGen allele CA5575814.
Genomic context (GRCh38, chr10:80,157,991, plus strand): 5'-AGGTTCCATCGCAACCTGCACATGGAAGTTACATACCCTCATGGCCTTGTTGAGCCTCTC[C>T]GCAAAGAAGGCTGGGGTATTCTTGAGACATTTCACTAGAAGAGAGAAACTCGGCATAACC-3'
Protein context (NP_665875.1, residues 427-447): KCLKNTPAFF[Ala437=]ERLNKAMRGA